The following is an entry in ClinVar:

ClinVar aggregate classification (germline): Uncertain significance. Review status: criteria provided, single submitter (1 of 4 stars). 2 submissions from 2 submitters: Uncertain significance (1). 1 of the submissions does not count toward it. Last evaluated 2026-08-12.

Conditions:
GP1BA-related disorder. Also called: GP1BA-related condition.
Inborn genetic diseases. Identifiers: MedGen C0950123, MeSH D030342.

gnomAD v4.1: 18 of 1,613,754 alleles (0.0011%); highest among the groups gnomAD compares: African/African-American, 0.0093%; no homozygotes.

Submissions (2):

Ambry Genetics
Classification: Uncertain significance for Inborn genetic diseases. Last evaluated: 2026-08-12. Review status: criteria provided, single submitter. Criteria: Ambry Variant Classification Scheme 2023. Collection method: clinical testing. Allele origin: germline.
Comment: The c.698G>A (p.R233H) alteration is located in exon 2 (coding exon 1) of the GP1BA gene. This alteration results from a G to A substitution at nucleotide position 698, causing the arginine (R) at amino acid position 233 to be replaced by a histidine (H). Based on data from gnomAD, the A allele has an overall frequency of <0.001% (1/249274) total alleles studied. The highest observed frequency was 0.007% (1/15484) of African alleles. Based on insufficient or conflicting evidence, the clinical significance of this alteration remains unclear.

PreventionGenetics, part of Exact Sciences
Classification: Uncertain significance for GP1BA-related condition. Last evaluated: 2024-05-21. Review status: no assertion criteria provided. Collection method: clinical testing. Allele origin: germline. Not counted in ClinVar's aggregate classification.
Comment: The GP1BA c.698G>A variant is predicted to result in the amino acid substitution p.Arg233His. To our knowledge, this variant has not been reported in the literature. This variant is reported in 0.0065% of alleles in individuals of African descent in gnomAD. At this time, the clinical significance of this variant is uncertain due to the absence of conclusive functional and genetic evidence.

NM_000173.7(GP1BA):c.698G>A (p.Arg233His)

Gene: GP1BA (glycoprotein Ib platelet subunit alpha; plus strand). Cytogenetic location: 17p13.2.
Variant type: single nucleotide variant.
Coding change: c.698G>A on transcript NM_000173.7 (MANE Select); coding-DNA position 698, G replaced by A.
Protein change: p.Arg233His; replaces arginine 233 with histidine.
Molecular consequence: missense variant.
Genome position (GRCh38, 1-based): chr17:4,933,302, G>A. VCF-style: chr17-4933302-G-A. GRCh37 (hg19) VCF-style: chr17-4836597-G-A.
Other names: c.698G>A (NM_000173.5); short protein forms R233H.
Identifiers: ClinVar variation 3351662 (VCV003351662.2).